The following is an entry in ClinVar:

NM_001085458.2(CTNND1):c.1871G>A (p.Gly624Asp)

Genes: CTNND1 (catenin delta 1; plus strand), TMX2-CTNND1 (TMX2-CTNND1 readthrough (NMD candidate); plus strand). Cytogenetic location: 11q12.1.
Variant type: single nucleotide variant.
Coding change: c.1871G>A on transcript NM_001085458.2 (MANE Select); coding-DNA position 1871, G replaced by A.
Protein change: p.Gly624Asp; replaces glycine 624 with aspartic acid.
Molecular consequence: missense variant. On other transcripts: non-coding transcript variant (1).
Genome position (GRCh38, 1-based): chr11:57,806,030, G>A. VCF-style: chr11-57806030-G-A. GRCh37 (hg19) VCF-style: chr11-57573502-G-A.
Other names: c.1871G>A, p.Gly624Asp (NM_001085459.2, NM_001085460.2, NM_001085461.2 and 3 more transcripts); c.1568G>A, p.Gly523Asp (NM_001085463.2, NM_001085464.2, NM_001085465.2 and 5 more transcripts); c.1709G>A, p.Gly570Asp (NM_001206883.2, NM_001206884.2, NM_001206886.2 and 4 more transcripts); short protein forms G570D, G523D, G624D.
Identifiers: ClinVar variation 5008630 (VCV005008630.1).

ClinVar aggregate classification (germline): Uncertain significance (1 of 4 stars; one submission).

Submission:

GeneDx
Classification: Uncertain significance. Last evaluated: 2026-03-06. Review status: criteria provided, single submitter. Criteria: GeneDx Variant Classification Process June 2021. Collection method: clinical testing. Allele origin: germline.
Comment: Not observed at significant frequency in large population cohorts (gnomAD); In silico analysis suggests that this missense variant does not alter protein structure/function; Has not been previously published as pathogenic or benign to our knowledge